The following is an entry in ClinVar:

NM_001205293.3(CACNA1E):c.4212A>G (p.Val1404=)

Gene: CACNA1E (calcium voltage-gated channel subunit alpha1 E; plus strand). Cytogenetic location: 1q25.3.
Variant type: single nucleotide variant.
Coding change: c.4212A>G on transcript NM_001205293.3 (MANE Select); coding-DNA position 4212, A replaced by G.
Protein change: p.Val1404=; no amino-acid change (valine 1404 retained).
Molecular consequence: synonymous variant.
Genome position (GRCh38, 1-based): chr1:181,757,009, A>G. VCF-style: chr1-181757009-A-G. GRCh37 (hg19) VCF-style: chr1-181726145-A-G.
Other names: c.4212A>G, p.Val1404= (NM_000721.4); c.4155A>G, p.Val1385= (NM_001205294.2).
Identifiers: ClinVar variation 1237921 (VCV001237921.13), dbSNP rs61731221, ClinGen allele CA1275794.

ClinVar aggregate classification (germline): Benign/Likely benign. Review status: criteria provided, multiple submitters, no conflicts (2 of 4 stars). 5 submissions from 5 submitters: Benign (3); Likely benign (2). Last evaluated 2026-09-01.

Conditions:
Developmental and epileptic encephalopathy, 69. Also called: EPILEPTIC ENCEPHALOPATHY, EARLY INFANTILE, 69. Identifiers: MedGen C4748988, MONDO:0032657, OMIM 618285.

Allele frequency attached by ClinVar (database versions not stated): gnomAD exomes 0.00026; ExAC 0.00031; gnomAD 0.00083 and 0.00086; TOPMed 0.00093; ESP Exome Variant Server 0.00106; 1000 Genomes Project 30x 0.00125; 1000 Genomes Project 0.00140.

Submissions (5):

CeGaT Center for Human Genetics Tuebingen
Classification: Likely benign. Last evaluated: 2026-09-01. Review status: criteria provided, single submitter. Criteria: CeGaT Center For Human Genetics Tuebingen Variant Classification Criteria Version 2. Collection method: clinical testing. Allele origin: germline. Affected: yes. Observed: 1 variant allele.
Comment: CACNA1E: BP4, BP7, BS1

Labcorp Genetics (formerly Invitae), Labcorp
Classification: Benign. Last evaluated: 2026-01-20. Review status: criteria provided, single submitter. Criteria: Invitae Variant Classification Sherloc (09022015). Collection method: clinical testing. Allele origin: germline.

Genome-Nilou Lab
Classification: Benign for Developmental and epileptic encephalopathy, 69. Last evaluated: 2023-04-11. Review status: criteria provided, single submitter. Criteria: ACMG Guidelines, 2015. Collection method: clinical testing. Allele origin: germline. Affected: no.

Blueprint Genetics
Classification: Likely benign. Last evaluated: 2021-08-27. Review status: criteria provided, single submitter. Criteria: ACMG Guidelines, 2015. Collection method: clinical testing. Allele origin: germline.

GeneDx
Classification: Benign. Last evaluated: 2021-05-10. Review status: criteria provided, single submitter. Criteria: GeneDx Variant Classification Process June 2021. Collection method: clinical testing. Allele origin: germline. Affected: yes.